The following is an entry in ClinVar:

ClinVar aggregate classification (germline): Conflicting classifications of pathogenicity. Review status: criteria provided, conflicting classifications (1 of 4 stars). 3 submissions from 3 submitters: Pathogenic (2); Uncertain significance (1). Last evaluated 2024-10-16.

Conditions:
Developmental and epileptic encephalopathy, 32 (DEE32). Also called: Epileptic encephalopathy, early infantile, 32. Identifiers: Orphanet 442835, MedGen C4225350, MONDO:0014607, OMIM 616366.

Submissions (3):

Labcorp Genetics (formerly Invitae), Labcorp
Classification: Pathogenic for Developmental and epileptic encephalopathy, 32. Last evaluated: 2024-10-16. Review status: criteria provided, single submitter. Criteria: Invitae Variant Classification Sherloc (09022015). Collection method: clinical testing. Allele origin: germline.
Comment: This sequence change replaces arginine, which is basic and polar, with glycine, which is neutral and non-polar, at codon 309 of the KCNA2 protein (p.Arg309Gly). This variant is not present in population databases (gnomAD no frequency). This missense change has been observed in individual(s) with clinical features of KCNA2-related conditions (internal data). In at least one individual the variant was observed to be de novo. ClinVar contains an entry for this variant (Variation ID: 1313559). Invitae Evidence Modeling of protein sequence and biophysical properties (such as structural, functional, and spatial information, amino acid conservation, physicochemical variation, residue mobility, and thermodynamic stability) indicates that this missense variant is expected to disrupt KCNA2 protein function with a positive predictive value of 95%. For these reasons, this variant has been classified as Pathogenic.

GeneDx
Classification: Pathogenic. Last evaluated: 2024-09-11. Review status: criteria provided, single submitter. Criteria: GeneDx Variant Classification Process June 2021. Collection method: clinical testing. Allele origin: germline. Affected: yes.
Comment: Not observed in large population cohorts (gnomAD); In silico analysis supports that this missense variant has a deleterious effect on protein structure/function; Has not been previously published as pathogenic or benign to our knowledge

Laboratorio de Genetica e Diagnostico Molecular, Hospital Israelita Albert Einstein
Classification: Uncertain significance. Last evaluated: 2019-11-01. Review status: criteria provided, single submitter. Criteria: ACMG Guidelines, 2015. Collection method: clinical testing. Allele origin: germline. Affected: yes.
Comment: ACMG classification criteria: PM2, PP2, PP3

NM_004974.4(KCNA2):c.925A>G (p.Arg309Gly)

Gene: KCNA2 (potassium voltage-gated channel subfamily A member 2; minus strand). Cytogenetic location: 1p13.3.
Variant type: single nucleotide variant.
Coding change: c.925A>G on transcript NM_004974.4 (MANE Select); coding-DNA position 925, A replaced by G.
Protein change: p.Arg309Gly; replaces arginine 309 with glycine.
Molecular consequence: missense variant. On other transcripts: intron variant (1).
Genome position (GRCh38, 1-based): chr1:110,603,858, T>C on the plus strand (A>G on the coding strand, the complement: KCNA2 is on the minus strand). VCF-style: chr1-110603858-T-C. GRCh37 (hg19) VCF-style: chr1-111146480-T-C.
Other names: c.894+31A>G (NM_001204269.2); short protein forms R309G.
Identifiers: ClinVar variation 1313559 (VCV001313559.10), dbSNP rs2101398407, ClinGen allele CA341602739.